The following is an entry in ClinVar:

NM_014244.5(ADAMTS2):c.1597C>G (p.Pro533Ala)

Gene: ADAMTS2 (ADAM metallopeptidase with thrombospondin type 1 motif 2; minus strand). Cytogenetic location: 5q35.3.
Variant type: single nucleotide variant.
Coding change: c.1597C>G on transcript NM_014244.5 (MANE Select); coding-DNA position 1597, C replaced by G.
Protein change: p.Pro533Ala; replaces proline 533 with alanine.
Molecular consequence: missense variant.
Genome position (GRCh38, 1-based): chr5:179,152,174, G>C on the plus strand (C>G on the coding strand, the complement: ADAMTS2 is on the minus strand). VCF-style: chr5-179152174-G-C. GRCh37 (hg19) VCF-style: chr5-178579175-G-C.
Other names: c.1597C>G, p.Pro533Ala (NM_021599.4); short protein forms P533A.
Identifiers: ClinVar variation 2656132 (VCV002656132.24), dbSNP rs2480234656, ClinGen allele CA362431083.

ClinVar aggregate classification (germline): Uncertain significance (1 of 4 stars; one submission).

Submission:

CeGaT Center for Human Genetics Tuebingen
Classification: Uncertain significance. Last evaluated: 2023-10-01. Review status: criteria provided, single submitter. Criteria: CeGaT Center For Human Genetics Tuebingen Variant Classification Criteria Version 2. Collection method: clinical testing. Allele origin: germline. Affected: yes. Observed: 1 variant allele.
Comment: ADAMTS2: PM2